The following is an entry in ClinVar:

NC_000002.12:g.31532094_31545036delinsCA

Gene: SRD5A2 (steroid 5 alpha-reductase 2; minus strand). Cytogenetic location: 2p23.1.
Variant type: Indel.
Identifiers: ClinVar variation 562141 (VCV000562141.6).

ClinVar aggregate classification (germline): Pathogenic (1 of 4 stars; one submission).

Conditions:
3-Oxo-5 alpha-steroid delta 4-dehydrogenase deficiency (PPSH). Also called: MALE PSEUDOHERMAPHRODITISM DUE TO 5-ALPHA-REDUCTASE DEFICIENCY; PSEUDOVAGINAL PERINEOSCROTAL HYPOSPADIAS; 46,XY disorder of sex development due to 5-alpha-reductase 2 deficiency; FAMILIAL INCOMPLETE MALE PSEUDOHERMAPHRODITISM, TYPE 2. Identifiers: Orphanet 753, MedGen C0268297, MONDO:0009923, OMIM 264600. Disease mechanism: loss of function.

Submission:

Genomic Research Center, Shahid Beheshti University of Medical Sciences
Classification: Pathogenic for 3-Oxo-5 alpha-steroid delta 4-dehydrogenase deficiency. Last evaluated: 2018-09-15. Review status: criteria provided, single submitter. Criteria: ACMG Guidelines, 2015. Collection method: clinical testing. Allele origin: inherited. Inheritance: Autosomal recessive inheritance. Affected: yes. Observed: 1 homozygote.
Comment: This deletion includes all of exon 2 (NM_000348.3).